The following is an entry in ClinVar:

NM_005826.5(HNRNPR):c.1088A>G (p.Glu363Gly)

Gene: HNRNPR (heterogeneous nuclear ribonucleoprotein R; minus strand). Cytogenetic location: 1p36.12.
Variant type: single nucleotide variant.
Coding change: c.1088A>G on transcript NM_005826.5 (MANE Select); coding-DNA position 1088, A replaced by G.
Protein change: p.Glu363Gly; replaces glutamic acid 363 with glycine.
Molecular consequence: missense variant.
Genome position (GRCh38, 1-based): chr1:23,313,632, T>C on the plus strand (A>G on the coding strand, the complement: HNRNPR is on the minus strand). VCF-style: chr1-23313632-T-C. GRCh37 (hg19) VCF-style: chr1-23640125-T-C.
Other names: c.785A>G, p.Glu262Gly (NM_001102397.3); c.1097A>G, p.Glu366Gly (NM_001102398.3); c.794A>G, p.Glu265Gly (NM_001102399.3); c.974A>G, p.Glu325Gly (NM_001297620.2); c.608A>G, p.Glu203Gly (NM_001297621.2); c.671A>G, p.Glu224Gly (NM_001297622.2); c.1097A>G (NM_001102398.1); short protein forms E203G, E224G, E325G, E363G, E366G, E262G, E265G.
Identifiers: ClinVar variation 1441205 (VCV001441205.7), dbSNP rs954695400, ClinGen allele CA19535249.

ClinVar aggregate classification (germline): Uncertain significance. Review status: criteria provided, multiple submitters, no conflicts (2 of 4 stars). 2 submissions from 2 submitters: Uncertain significance (2). Last evaluated 2024-08-27.

Conditions:
Inborn genetic diseases. Identifiers: MedGen C0950123, MeSH D030342.

Allele frequency attached by ClinVar (database versions not stated): gnomAD exomes below 0.00001; gnomAD 0.00001; TOPMed 0.00005.
gnomAD v4.1: 2 of 1,605,242 alleles (0.00012%); highest among the groups gnomAD compares: Middle Eastern, 0.017%; no homozygotes.

Submissions (2):

Ambry Genetics
Classification: Uncertain significance for Inborn genetic diseases. Last evaluated: 2024-08-27. Review status: criteria provided, single submitter. Criteria: Ambry Variant Classification Scheme 2023. Collection method: clinical testing. Allele origin: germline.

Labcorp Genetics (formerly Invitae), Labcorp
Classification: Uncertain significance. Last evaluated: 2021-05-30. Review status: criteria provided, single submitter. Criteria: Invitae Variant Classification Sherloc (09022015). Collection method: clinical testing. Allele origin: germline.
Comment: This variant is not present in population databases (ExAC no frequency). This sequence change replaces glutamic acid with glycine at codon 366 of the HNRNPR protein (p.Glu366Gly). The glutamic acid residue is moderately conserved and there is a moderate physicochemical difference between glutamic acid and glycine. This variant has not been reported in the literature in individuals with HNRNPR-related conditions. Algorithms developed to predict the effect of missense changes on protein structure and function are either unavailable or do not agree on the potential impact of this missense change (SIFT: "Deleterious"; PolyPhen-2: "Benign"; Align-GVGD: "Class C0"). In summary, the available evidence is currently insufficient to determine the role of this variant in disease. Therefore, it has been classified as a Variant of Uncertain Significance.